The following is an entry in ClinVar:

ClinVar aggregate classification (germline): Uncertain significance (1 of 4 stars; one submission).

gnomAD v4.1: 3 of 1,483,890 alleles (0.0002%); highest among the groups gnomAD compares: Non-Finnish European, 0.00028%; no homozygotes.

Submission:

Women's Health and Genetics/Laboratory Corporation of America, LabCorp
Classification: Uncertain significance. Last evaluated: 2016-07-28. Review status: criteria provided, single submitter. Criteria: LabCorp Variant Classification Summary - May 2015. Collection method: clinical testing. Allele origin: germline.
Comment: Variant summary: The HBB c.*67G>T variant is located in the 3' untranslated region at a non-conserved position with mutation taster predicting the variant to be a "polymorphism," although this prediction has yet to be functionally assessed. The allele frequency in the general population cannot be assessed since there is no coverage of this chromosomal region in the large publically available control cohorts (ExAC, ESP). The variant of interest has not been, to our knowledge, reported in affected individuals via publications and/or reputable databases/clinical laboratories. Therefore, taking all available lines of evidence into consideration, the variant of interest has been classified as a "Variant of Uncertain Significance (VUS)," until additional information becomes available.

NM_000518.5(HBB):c.*67G>T

Genes: HBB (hemoglobin subunit beta; minus strand), LOC107133510 (origin of replication at HBB; plus strand), LOC110006319 (beta-globin gene 3' regulatory region; plus strand). Cytogenetic location: 11p15.4.
Variant type: single nucleotide variant.
Coding change: c.*67G>T on transcript NM_000518.5 (MANE Select); 67 bases downstream of the stop codon, G replaced by T.
Molecular consequence: 3 prime UTR variant.
Genome position (GRCh38, 1-based): chr11:5,225,531, C>A on the plus strand (G>T on the coding strand, the complement: HBB is on the minus strand). VCF-style: chr11-5225531-C-A. GRCh37 (hg19) VCF-style: chr11-5246761-C-A.
Identifiers: ClinVar variation 495970 (VCV000495970.1), dbSNP rs1554917441, ClinGen allele CA658683670.